The following is an entry in ClinVar:

NM_000388.4(CASR):c.560T>A (p.Ile187Asn)

Gene: CASR (calcium sensing receptor; plus strand). Cytogenetic location: 3q21.1.
Variant type: single nucleotide variant.
Coding change: c.560T>A on transcript NM_000388.4 (MANE Select); coding-DNA position 560, T replaced by A.
Protein change: p.Ile187Asn; replaces isoleucine 187 with asparagine.
Molecular consequence: missense variant.
Genome position (GRCh38, 1-based): chr3:122,261,595, T>A. VCF-style: chr3-122261595-T-A. GRCh37 (hg19) VCF-style: chr3-121980442-T-A.
Other names: c.560T>A, p.Ile187Asn (NM_001178065.2); short protein forms I187N.
Identifiers: ClinVar variation 1720149 (VCV001720149.7), dbSNP rs754602260, ClinGen allele CA354150847.
Genomic context (GRCh38, chr3:122,261,595, plus strand): 5'-ATGCCTCCTCCAGCAGACTCCTCAGCAACAAGAATCAATTCAAGTCTTTCCTCCGAACCA[T>A]CCCCAATGATGAGCACCAGGCCACTGCCATGGCAGACATCATCGAGTATTTCCGCTGGAA-3'
Protein context (NP_000379.3, residues 177-197): KNQFKSFLRT[Ile187Asn]PNDEHQATAM

ClinVar aggregate classification (germline): Uncertain significance. Review status: criteria provided, multiple submitters, no conflicts (2 of 4 stars). 2 submissions from 2 submitters: Uncertain significance (2). Last evaluated 2025-10-10.

Conditions:
Familial hypocalciuric hypercalcemia (FHH). Also called: Familial benign hypercalcemia. Identifiers: Orphanet 405, MedGen C1809471, MONDO:0018458.
Autosomal dominant hypocalcemia 1 (HYPOC1). Also called: HYPOCALCEMIA, FAMILIAL. Identifiers: MedGen C3715128, MONDO:0011013, OMIM 601198.

Allele frequency attached by ClinVar (database versions not stated): TOPMed below 0.00001.

Submissions (2):

Women's Health and Genetics/Laboratory Corporation of America, LabCorp
Classification: Uncertain significance. Last evaluated: 2025-10-10. Review status: criteria provided, single submitter. Criteria: LabCorp Variant Classification Summary - May 2015. Collection method: clinical testing. Allele origin: germline.
Comment: Variant summary: CASR c.560T>A (p.Ile187Asn) results in a non-conservative amino acid change in the encoded protein sequence. Algorithms developed to predict the effect of missense changes on protein structure and function all suggest that this variant is likely to be disruptive. The variant was absent in 251248 control chromosomes. The available data on variant occurrences in the general population are insufficient to allow any conclusion about variant significance. To our knowledge, no occurrence of c.560T>A in individuals affected with CASR-related conditions and no experimental evidence demonstrating its impact on protein function have been reported. ClinVar contains an entry for this variant (Variation ID: 1720149). Based on the evidence outlined above, the variant was classified as uncertain significance.

Labcorp Genetics (formerly Invitae), Labcorp
Classification: Uncertain significance for Familial hypocalciuric hypercalcemia; Autosomal dominant hypocalcemia 1. Last evaluated: 2024-01-02. Review status: criteria provided, single submitter. Criteria: Invitae Variant Classification Sherloc (09022015). Collection method: clinical testing. Allele origin: germline.
Comment: This sequence change replaces isoleucine, which is neutral and non-polar, with asparagine, which is neutral and polar, at codon 187 of the CASR protein (p.Ile187Asn). This variant is not present in population databases (gnomAD no frequency). This variant has not been reported in the literature in individuals affected with CASR-related conditions. ClinVar contains an entry for this variant (Variation ID: 1720149). An algorithm developed to predict the effect of missense changes on protein structure and function (PolyPhen-2) suggests that this variant is likely to be disruptive. In summary, the available evidence is currently insufficient to determine the role of this variant in disease. Therefore, it has been classified as a Variant of Uncertain Significance.